The following is an entry in ClinVar:

ClinVar aggregate classification (germline): Uncertain significance. Review status: criteria provided, multiple submitters, no conflicts (2 of 4 stars). 2 submissions from 2 submitters: Uncertain significance (2). Last evaluated 2025-07-03.

Conditions:
Brugada syndrome. Also called: Sudden unexpected nocturnal death syndrome; Sudden unexplained nocturnal death syndrome; Sudden Unexplained Death Syndrome; Sudden Unexplained Nocturnal Death Syndrome (SUNDS). Identifiers: Orphanet 130, MedGen C1142166, MONDO:0015263.

Allele frequency attached by ClinVar (database versions not stated): ExAC 0.00001; TOPMed 0.00001; ESP Exome Variant Server 0.00008.
gnomAD v4.1: 20 of 1,613,644 alleles (0.0012%); highest among the groups gnomAD compares: Non-Finnish European, 0.0016%; no homozygotes.

Submissions (2):

Labcorp Genetics (formerly Invitae), Labcorp
Classification: Uncertain significance for Brugada syndrome. Last evaluated: 2025-07-03. Review status: criteria provided, single submitter. Criteria: Invitae Variant Classification Sherloc (09022015). Collection method: clinical testing. Allele origin: germline.
Comment: This sequence change replaces glutamic acid, which is acidic and polar, with lysine, which is basic and polar, at codon 752 of the SLMAP protein (p.Glu752Lys). This variant is present in population databases (rs149036868, gnomAD 0.003%). This variant has not been reported in the literature in individuals affected with SLMAP-related conditions. ClinVar contains an entry for this variant (Variation ID: 1788491). An algorithm developed to predict the effect of missense changes on protein structure and function (PolyPhen-2) suggests that this variant is likely to be disruptive. In summary, the available evidence is currently insufficient to determine the role of this variant in disease. Therefore, it has been classified as a Variant of Uncertain Significance.

Ambry Genetics
Classification: Uncertain significance. Last evaluated: 2024-02-09. Review status: criteria provided, single submitter. Criteria: Ambry Variant Classification Scheme 2023. Collection method: clinical testing. Allele origin: germline.
Comment: The p.E752K variant (also known as c.2254G>A), located in coding exon 20 of the SLMAP gene, results from a G to A substitution at nucleotide position 2254. The glutamic acid at codon 752 is replaced by lysine, an amino acid with similar properties. This amino acid position is conserved. In addition, the in silico prediction for this alteration is inconclusive. Since supporting evidence is limited at this time, the clinical significance of this alteration remains unclear.

NM_001377540.1(SLMAP):c.2356G>A (p.Glu786Lys)

Gene: SLMAP (sarcolemma associated protein; plus strand). Cytogenetic location: 3p14.3.
Variant type: single nucleotide variant.
Coding change: c.2356G>A on transcript NM_001377540.1 (MANE Select); coding-DNA position 2356, G replaced by A.
Protein change: p.Glu786Lys; replaces glutamic acid 786 with lysine.
Molecular consequence: missense variant. On other transcripts: non-coding transcript variant (1).
Genome position (GRCh38, 1-based): chr3:57,922,934, G>A. VCF-style: chr3-57922934-G-A. GRCh37 (hg19) VCF-style: chr3-57908661-G-A.
Other names: c.2305G>A, p.Glu769Lys (NM_001304420.3, NM_001377541.1, NM_001377542.1); c.2191G>A, p.Glu731Lys (NM_001304421.2, NM_001377557.1, NM_001377559.1); c.907G>A, p.Glu303Lys (NM_001304422.3, NM_001311178.2); c.709G>A, p.Glu237Lys (NM_001304423.3); c.2377G>A, p.Glu793Lys (NM_001377538.1); c.2356G>A, p.Glu786Lys (NM_001377539.1); c.2293G>A, p.Glu765Lys (NM_001377545.1); c.2254G>A, p.Glu752Lys (NM_001377549.1, NM_007159.5); and 8 more; short protein forms E724K, E745K, E237K, E303K, E690K, E786K, E262K, E728K.
Identifiers: ClinVar variation 1788491 (VCV001788491.3), dbSNP rs149036868, ClinGen allele CA2467365.